The following is an entry in ClinVar:

ClinVar aggregate classification (germline): Likely benign. Review status: criteria provided, multiple submitters, no conflicts (2 of 4 stars). 2 submissions from 2 submitters: Likely benign (2). Last evaluated 2025-12-11.

Conditions:
DNMT1-related disorder. Also called: DNMT1-related condition. Identifiers: MedGen CN381527.
Hereditary sensory neuropathy-deafness-dementia syndrome. Also called: NEUROPATHY, HEREDITARY SENSORY, WITH HEARING LOSS AND DEMENTIA; Hereditary Sensory and Autonomic Neuropathy Type 1E (HSAN1E); HSN IE; Hereditary sensory neuropathy type IE. Identifiers: Orphanet 456318, MedGen C3279885, MONDO:0013584, OMIM 614116.

Submissions (2):

PreventionGenetics, part of Exact Sciences
Classification: Likely benign for DNMT1-related condition. Last evaluated: 2025-12-11. Review status: criteria provided, single submitter. Criteria: ACMG Guidelines, 2015. Collection method: clinical testing. Allele origin: germline.
Comment: This variant is classified as likely benign based on ACMG/AMP sequence variant interpretation guidelines (Richards et al. 2015 PMID: 25741868, with internal and published modifications).

Labcorp Genetics (formerly Invitae), Labcorp
Classification: Likely benign for Hereditary sensory neuropathy-deafness-dementia syndrome. Last evaluated: 2018-08-01. Review status: criteria provided, single submitter. Criteria: Invitae Variant Classification Sherloc (09022015). Collection method: clinical testing. Allele origin: germline.

NM_001130823.3(DNMT1):c.1493-11_1493-9dup

Gene: DNMT1 (DNA methyltransferase 1; minus strand). Cytogenetic location: 19p13.2.
Variant type: Duplication.
Coding change: c.1493-11_1493-9dup on transcript NM_001130823.3 (MANE Select); 11 bases into the intron before coding-DNA position 1493 through 9 bases into the intron before coding-DNA position 1493, 3 bases duplicated (GTT; older notation c.1493-11_1493-9dupGTT).
Molecular consequence: intron variant.
Genome position (GRCh38, 1-based): chr19:10,155,065-10,155,067, AAC duplicated on the plus strand (GTT on the coding strand, the reverse complement: DNMT1 is on the minus strand); duplicating any 3 consecutive bases within chr19:10,155,065-10,155,068 gives the same sequence; the c. name uses the placement nearest the transcript's 3' end. VCF-style (leftmost placement, unchanged base first): chr19-10155064-G-GAAC. GRCh37 (hg19) VCF-style: chr19-10265740-G-GAAC.
Other names: c.1130-11_1130-9dup (NM_001318731.2); c.1445-11_1445-9dup (NM_001379.4, NM_001318730.2); c.1493-11_1493-9dupGTT (NM_001130823.2).
Identifiers: ClinVar variation 727289 (VCV000727289.9), dbSNP rs1599366595, ClinGen allele CA915951678.
Genomic context (GRCh38, chr19:10,155,064, plus strand): 5'-AAATATGGGCGCATACTCGGGACTGGGATCCATCAGAATGTATTCGGCAAATGCTGGGGT[G>GAAC]AACAGAGGAGGTGTGGAAAAGGGGCTGGAATCTGATGGCGCCTACAGTGGCCACAGGGCA-3'